The following is an entry in ClinVar:

ClinVar aggregate classification (germline): Likely pathogenic. Review status: criteria provided, single submitter (1 of 4 stars). 2 submissions from 2 submitters: Likely pathogenic (1). 1 of the submissions does not count toward it. Last evaluated 2022-03-22.

Conditions:
PCWH syndrome. Also called: WAARDENBURG-SHAH SYNDROME, NEUROLOGIC VARIANT. Identifiers: Orphanet 163746, MedGen C1836727, MONDO:0012198, OMIM 609136.

Submissions (2):

3billion
Classification: Likely pathogenic for PCWH syndrome. Last evaluated: 2022-03-22. Review status: criteria provided, single submitter. Criteria: ACMG Guidelines, 2015. Collection method: clinical testing. Allele origin: germline. Affected: yes. Observed: 1 heterozygote.
Comment: This loss of stop variant can change the length of the protein and disrupt protein function. This variant has been reported as pathogenic (ClinVar ID: VCV000007400, PMID:10482261).It is not observed in the gnomAD v2.1.1 dataset. Therefore, this variant is classified as likely pathogenic according to the recommendation of ACMG/AMP guideline.

OMIM
Classification: Pathogenic for PERIPHERAL DEMYELINATING NEUROPATHY, CENTRAL DYSMYELINATION, WAARDENBURG SYNDROME, AND HIRSCHSPRUNG DISEASE. Last evaluated: 2007-12-15. Review status: no assertion criteria provided. Collection method: literature only. Allele origin: germline. Not counted in ClinVar's aggregate classification.

Literature cited by the submitters: PubMed 10482261 (cited by 3billion and OMIM); PubMed 17855451 (cited by OMIM).

NM_006941.4(SOX10):c.1400_*10del (p.Ter467Xaa)

Genes: POLR2F (RNA polymerase II, I and III subunit F; plus strand), SOX10 (SRY-box transcription factor 10; minus strand). Cytogenetic location: 22q13.1.
Variant type: Deletion.
Coding change: c.1400_*10del on transcript NM_006941.4 (MANE Select); coding-DNA position 1400 through 10 bases downstream of the stop codon, 12 bases deleted (AAAGGGGGCCCT).
Protein change: p.Ter467Xaa.
Molecular consequence: stop lost. On other transcripts: intron variant (3).
Genome position (GRCh38, 1-based): chr22:37,973,485-37,973,496, AGGGCCCCCTTT deleted on the plus strand (AAAGGGGGCCCT on the coding strand, the reverse complement: SOX10 is on the minus strand); deleting any 12 consecutive bases within chr22:37,973,485-37,973,502 gives the same sequence; the c. name uses the placement nearest the transcript's 3' end. VCF-style (leftmost placement, unchanged base first): chr22-37973484-CAGGGCCCCCTTT-C. GRCh37 (hg19) VCF-style: chr22-38369491-CAGGGCCCCCTTT-C.
Other names: c.*38+1181_*38+1192del (NM_001363825.1); c.293+6321_293+6332del (NM_001301130.2, NM_001301131.2); c.1400_1411del (NM_006941.3).
Identifiers: ClinVar variation 7400 (VCV000007400.4), dbSNP rs397515368, ClinGen allele CA118765.